The following is an entry in ClinVar:

ClinVar aggregate classification (germline): Uncertain significance (1 of 4 stars; one submission).

Conditions:
Bardet-Biedl syndrome (BBS). Identifiers: Orphanet 110, MedGen C0752166, MONDO:0015229.

Allele frequency attached by ClinVar (database versions not stated): ExAC 0.00001.

Submission:

Labcorp Genetics (formerly Invitae), Labcorp
Classification: Uncertain significance for Bardet-Biedl syndrome. Last evaluated: 2024-02-24. Review status: criteria provided, single submitter. Criteria: Invitae Variant Classification Sherloc (09022015). Collection method: clinical testing. Allele origin: germline.
Comment: This sequence change replaces glutamine, which is neutral and polar, with histidine, which is basic and polar, at codon 429 of the BBS4 protein (p.Gln429His). This variant is present in population databases (rs749206186, gnomAD 0.007%). This variant has not been reported in the literature in individuals affected with BBS4-related conditions. ClinVar contains an entry for this variant (Variation ID: 2095654). Advanced modeling of protein sequence and biophysical properties (such as structural, functional, and spatial information, amino acid conservation, physicochemical variation, residue mobility, and thermodynamic stability) performed at Invitae indicates that this missense variant is not expected to disrupt BBS4 protein function with a negative predictive value of 80%. In summary, the available evidence is currently insufficient to determine the role of this variant in disease. Therefore, it has been classified as a Variant of Uncertain Significance.

NM_033028.5(BBS4):c.1287G>T (p.Gln429His)

Gene: BBS4 (Bardet-Biedl syndrome 4; plus strand). Cytogenetic location: 15q24.1.
Variant type: single nucleotide variant.
Coding change: c.1287G>T on transcript NM_033028.5 (MANE Select); coding-DNA position 1287, G replaced by T.
Protein change: p.Gln429His; replaces glutamine 429 with histidine.
Molecular consequence: missense variant. On other transcripts: non-coding transcript variant (2).
Genome position (GRCh38, 1-based): chr15:72,736,800, G>T. VCF-style: chr15-72736800-G-T. GRCh37 (hg19) VCF-style: chr15-73029141-G-T.
Other names: c.771G>T, p.Gln257His (NM_001252678.2); c.1218G>T, p.Gln406His (NM_001320665.2); short protein forms Q406H, Q429H, Q257H.
Identifiers: ClinVar variation 2095654 (VCV002095654.4), dbSNP rs749206186, ClinGen allele CA7646985.